The following is an entry in ClinVar:

NM_001754.5(RUNX1):c.369T>A (p.Asp123Glu)

Genes: RUNX1 (RUNX family transcription factor 1; minus strand), RUNX1-AS1 (RUNX1 antisense RNA 1; plus strand). Cytogenetic location: 21q22.12.
Variant type: single nucleotide variant.
Coding change: c.369T>A on transcript NM_001754.5 (MANE Select); coding-DNA position 369, T replaced by A.
Protein change: p.Asp123Glu; replaces aspartic acid 123 with glutamic acid.
Molecular consequence: missense variant.
Genome position (GRCh38, 1-based): chr21:34,880,696, A>T on the plus strand (T>A on the coding strand, the complement: RUNX1 is on the minus strand). VCF-style: chr21-34880696-A-T. GRCh37 (hg19) VCF-style: chr21-36252993-A-T.
Other names: NM_001754.5(RUNX1):c.369T>A; p.Asp123Glu; c.288T>A, p.Asp96Glu (NM_001001890.3, NM_001122607.2); short protein forms D123E, D96E.
Identifiers: ClinVar variation 463993 (VCV000463993.11), dbSNP rs768100078, ClinGen allele CA10014523.

ClinVar aggregate classification (germline): Uncertain significance. Review status: reviewed by expert panel (3 of 4 stars). 2 submissions from 2 submitters: Uncertain significance (1). 1 of the submissions does not count toward it. Last evaluated 2026-05-27.

Conditions:
Hereditary thrombocytopenia and hematological cancer predisposition syndrome associated with RUNX1. Also called: PLATELET DISORDER, ASPIRIN-LIKE; Familial Platelet Disorder with Propensity to Acute Myelogenous Leukemia; Familial thrombocytopenia with propensity to acute myelogenous leukemia; RUNX1 Familial Platelet Disorder with Associated Myeloid Malignancies. Identifiers: Orphanet 71290, MedGen C1832388, MeSH C563324, MONDO:0100083, OMIM 601399.
Hereditary thrombocytopenia and hematologic cancer predisposition syndrome. Identifiers: Orphanet 71290, MedGen CN281654, MONDO:0011071.

Allele frequency attached by ClinVar (database versions not stated): ExAC 0.00001; gnomAD exomes 0.00001.
gnomAD v4.1: 3 of 1,614,152 alleles (0.00019%); highest among the groups gnomAD compares: Admixed American, 0.005%; no homozygotes.

Submissions (2):

ClinGen Myeloid Malignancy Variant Curation Expert Panel
Classification: Uncertain significance for Hereditary thrombocytopenia and hematologic cancer predisposition syndrome. Last evaluated: 2026-05-27. Review status: reviewed by expert panel. Criteria: ClinGen MyeloMalig ACMG Specifications V3.1. Collection method: curation. Allele origin: germline. Inheritance: Autosomal dominant inheritance.
Comment: NM_001754.5(RUNX1):c.369T>A (p.Asp123Glu) is a missense variant which affects a residue (D123) within the RHD (PM1_Supporting). This missense variant has a REVEL score < 0.50 (0.325), and a SpliceAI score ≤ 0.20 (0.38)(BP4). In summary, the clinical significance of this variant is uncertain. ACMG/AMP criteria applied, as specified by the Myeloid Malignancy Variant Curation Expert Panel for RUNX1: PM1_Supporting, BP4.

Labcorp Genetics (formerly Invitae), Labcorp
Classification: Uncertain significance for Hereditary thrombocytopenia and hematological cancer predisposition syndrome associated with RUNX1. Last evaluated: 2024-04-11. Review status: criteria provided, single submitter. Criteria: Invitae Variant Classification Sherloc (09022015). Collection method: clinical testing. Allele origin: germline. Not counted in ClinVar's aggregate classification.
Comment: This sequence change replaces aspartic acid, which is acidic and polar, with glutamic acid, which is acidic and polar, at codon 123 of the RUNX1 protein (p.Asp123Glu). This variant is present in population databases (rs768100078, gnomAD 0.009%). This variant has not been reported in the literature in individuals affected with RUNX1-related conditions. ClinVar contains an entry for this variant (Variation ID: 463993). Advanced modeling of protein sequence and biophysical properties (such as structural, functional, and spatial information, amino acid conservation, physicochemical variation, residue mobility, and thermodynamic stability) performed at Invitae indicates that this missense variant is not expected to disrupt RUNX1 protein function with a negative predictive value of 80%. In summary, the available evidence is currently insufficient to determine the role of this variant in disease. Therefore, it has been classified as a Variant of Uncertain Significance.